The following is an entry in ClinVar:

ClinVar aggregate classification (germline): Uncertain significance (1 of 4 stars; one submission).

Conditions:
Bardet-Biedl syndrome (BBS). Identifiers: Orphanet 110, MedGen C0752166, MONDO:0015229.

gnomAD v4.1: 11 of 1,613,980 alleles (0.00068%); highest among the groups gnomAD compares: East Asian, 0.0045%; no homozygotes.

Submission:

Labcorp Genetics (formerly Invitae), Labcorp
Classification: Uncertain significance for Bardet-Biedl syndrome. Last evaluated: 2022-06-27. Review status: criteria provided, single submitter. Criteria: Invitae Variant Classification Sherloc (09022015). Collection method: clinical testing. Allele origin: germline.
Comment: This sequence change replaces arginine, which is basic and polar, with histidine, which is basic and polar, at codon 586 of the TRIM32 protein (p.Arg586His). This variant is present in population databases (no rsID available, gnomAD 0.01%). This variant has not been reported in the literature in individuals affected with TRIM32-related conditions. ClinVar contains an entry for this variant (Variation ID: 1018256). Algorithms developed to predict the effect of missense changes on protein structure and function are either unavailable or do not agree on the potential impact of this missense change (SIFT: "Tolerated"; PolyPhen-2: "Possibly Damaging"; Align-GVGD: "Class C0"). In summary, the available evidence is currently insufficient to determine the role of this variant in disease. Therefore, it has been classified as a Variant of Uncertain Significance.

NM_012210.4(TRIM32):c.1757G>A (p.Arg586His)

Genes: ASTN2 (astrotactin 2; minus strand), TRIM32 (tripartite motif containing 32; plus strand). Cytogenetic location: 9q33.1.
Variant type: single nucleotide variant.
Coding change: c.1757G>A on transcript NM_012210.4 (MANE Select); coding-DNA position 1757, G replaced by A.
Protein change: p.Arg586His; replaces arginine 586 with histidine.
Molecular consequence: missense variant. On other transcripts: intron variant (3).
Genome position (GRCh38, 1-based): chr9:116,699,499, G>A. VCF-style: chr9-116699499-G-A. GRCh37 (hg19) VCF-style: chr9-119461778-G-A.
Other names: c.1757G>A, p.Arg586His (NM_001099679.2, NM_001379048.1, NM_001379049.1 and 1 more transcripts); c.2653+26272C>T (NM_014010.5); c.2794+26272C>T (NM_001365069.1); c.2806+26272C>T (NM_001365068.1); short protein forms R586H.
Identifiers: ClinVar variation 1018256 (VCV001018256.6), dbSNP rs866695848, ClinGen allele CA198771382.
Genomic context (GRCh38, chr9:116,699,499, plus strand): 5'-GCCACTTCTTCTCGGAGAATGAGGATTTCCGCTGCATTGCTGGCATGTGTGTGGATGCTC[G>A]TGGTGATCTCATCGTGGCTGACAGTAGTCGCAAGGAAATTCTCCATTTTCCTAAGGGTGG-3'
Protein context (NP_036342.2, residues 576-596): RCIAGMCVDA[Arg586His]GDLIVADSSR